The following is an entry in ClinVar:

ClinVar aggregate classification (germline): Pathogenic (1 of 4 stars; one submission).

Conditions:
Primary ciliary dyskinesia. Also called: Ciliary dyskinesia. Identifiers: Orphanet 244, MedGen C0008780, MONDO:0016575, HP:0012265.

Submission:

Labcorp Genetics (formerly Invitae), Labcorp
Classification: Pathogenic for Primary ciliary dyskinesia. Last evaluated: 2025-11-03. Review status: criteria provided, single submitter. Criteria: Invitae Variant Classification Sherloc (09022015). Collection method: clinical testing. Allele origin: germline.
Comment: This sequence change creates a premature translational stop signal (p.Tyr101Serfs*28) in the CCNO gene. It is expected to result in an absent or disrupted protein product. Loss-of-function variants in CCNO are known to be pathogenic (PMID: 24747639). This variant is not present in population databases (gnomAD no frequency). This variant has not been reported in the literature in individuals affected with CCNO-related conditions. ClinVar contains an entry for this variant (Variation ID: 665010). For these reasons, this variant has been classified as Pathogenic.

Literature cited by the submitters: PubMed 24747639.

NM_021147.5(CCNO):c.302del (p.Tyr101fs)

Genes: CCNO (cyclin O; minus strand), LOC129993895 (ATAC-STARR-seq lymphoblastoid silent region 16013; plus strand). Cytogenetic location: 5q11.2.
Variant type: Deletion.
Coding change: c.302del on transcript NM_021147.5 (MANE Select); coding-DNA position 302, one base deleted (A; older notation c.302delA).
Protein change: p.Tyr101fs; shifts the reading frame from tyrosine 101.
Molecular consequence: frameshift variant. On other transcripts: non-coding transcript variant (2).
Genome position (GRCh38, 1-based): chr5:55,233,222, T deleted on the plus strand (A on the coding strand, the reverse complement: CCNO is on the minus strand). VCF-style (leftmost placement, unchanged base first): chr5-55233221-GT-G. GRCh37 (hg19) VCF-style: chr5-54529049-GT-G.
Other names: short protein forms Y101fs.
Identifiers: ClinVar variation 665010 (VCV000665010.9), dbSNP rs1580412021, ClinGen allele CA915943348.